The following is an entry in ClinVar:

ClinVar aggregate classification (germline): Uncertain significance. Review status: criteria provided, multiple submitters, no conflicts (2 of 4 stars). 2 submissions from 2 submitters: Uncertain significance (2). Last evaluated 2022-05-04.

Conditions:
Hereditary sclerosing poikiloderma with tendon and pulmonary involvement. Also called: Poikiloderma, hereditary fibrosing, with tendon contractures, myopathy, and pulmonary fibrosis. Identifiers: Orphanet 221043, MedGen C3810325, MONDO:0014310, OMIM 615704.

Allele frequency attached by ClinVar (database versions not stated): TOPMed 0.00005; gnomAD 0.00006; gnomAD exomes 0.00006 and 0.00007; ExAC 0.00009; ESP Exome Variant Server 0.00016.

Submissions (2):

Mendelics
Classification: Uncertain significance. Last evaluated: 2022-05-04. Review status: criteria provided, single submitter. Criteria: Mendelics Assertion Criteria 2019. Collection method: clinical testing. Allele origin: germline.

Baylor Genetics
Classification: Uncertain significance for Hereditary sclerosing poikiloderma with tendon and pulmonary involvement. Last evaluated: 2018-06-07. Review status: criteria provided, single submitter. Criteria: ACMG Guidelines, 2015. Collection method: clinical testing. Allele origin: paternal. Affected: yes.
Comment: This variant was determined to be of uncertain significance according to ACMG Guidelines, 2015 [PMID:25741868].

NM_198947.4(FAM111B):c.368_369insCT (p.Gln124fs)

Gene: FAM111B (FAM111 trypsin like peptidase B; plus strand). Cytogenetic location: 11q12.1.
Variant type: Insertion.
Coding change: c.368_369insCT on transcript NM_198947.4 (MANE Select); coding-DNA positions 368 to 369, CT inserted.
Protein change: p.Gln124fs; shifts the reading frame from glutamine 124.
Molecular consequence: frameshift variant.
Genome position: GRCh38 VCF-style: chr11-59124465-A-ACT. GRCh37 (hg19) VCF-style: chr11-58891938-A-ACT.
Other names: c.278_279insCT, p.Gln94fs (NM_001142703.2, NM_001142704.2); short protein forms Q124fs, Q94fs.
Identifiers: ClinVar variation 1033669 (VCV001033669.2), dbSNP rs767223238, ClinGen allele CA6016119.